The following is an entry in ClinVar:

ClinVar aggregate classification (germline): Uncertain significance. Review status: criteria provided, multiple submitters, no conflicts (2 of 4 stars). 3 submissions from 3 submitters: Uncertain significance (3). Last evaluated 2023-08-01.

Conditions:
Epilepsy. Also called: Seizure disorder. Identifiers: MedGen C0014544, MeSH D004827, MONDO:0005027.

Allele frequency attached by ClinVar (database versions not stated): gnomAD 0.00001; gnomAD exomes 0.00001; TOPMed 0.00002.
gnomAD v4.1: 12 of 1,550,832 alleles (0.00077%); highest among the groups gnomAD compares: Admixed American, 0.002%; no homozygotes.

Submissions (3):

CeGaT Center for Human Genetics Tuebingen
Classification: Uncertain significance. Last evaluated: 2023-08-01. Review status: criteria provided, single submitter. Criteria: CeGaT Center For Human Genetics Tuebingen Variant Classification Criteria Version 2. Collection method: clinical testing. Allele origin: germline. Affected: yes. Observed: 1 variant allele.
Comment: PIGQ: PM2, BP4

Mayo Clinic Laboratories, Mayo Clinic
Classification: Uncertain significance. Last evaluated: 2022-09-28. Review status: criteria provided, single submitter. Criteria: ACMG Guidelines, 2015. Collection method: clinical testing. Allele origin: germline. Observed: 1 variant allele.
Comment: BP4, PM2

Labcorp Genetics (formerly Invitae), Labcorp
Classification: Uncertain significance for Epilepsy. Last evaluated: 2021-08-26. Review status: criteria provided, single submitter. Criteria: Invitae Variant Classification Sherloc (09022015). Collection method: clinical testing. Allele origin: germline.
Comment: This sequence change replaces arginine with cysteine at codon 301 of the PIGQ protein (p.Arg301Cys). The arginine residue is moderately conserved and there is a large physicochemical difference between arginine and cysteine. The frequency data for this variant in the population databases is considered unreliable, as metrics indicate poor data quality at this position in the ExAC database. This variant has not been reported in the literature in individuals affected with PIGQ-related conditions. Algorithms developed to predict the effect of missense changes on protein structure and function output the following: SIFT: "Tolerated"; PolyPhen-2: "Benign"; Align-GVGD: "Class C0". The cysteine amino acid residue is found in multiple mammalian species, which suggests that this missense change does not adversely affect protein function. In summary, the available evidence is currently insufficient to determine the role of this variant in disease. Therefore, it has been classified as a Variant of Uncertain Significance.

NM_004204.5(PIGQ):c.901C>T (p.Arg301Cys)

Gene: PIGQ (phosphatidylinositol glycan anchor biosynthesis class Q; plus strand). Cytogenetic location: 16p13.3.
Variant type: single nucleotide variant.
Coding change: c.901C>T on transcript NM_004204.5 (MANE Select); coding-DNA position 901, C replaced by T.
Protein change: p.Arg301Cys; replaces arginine 301 with cysteine.
Molecular consequence: missense variant.
Genome position (GRCh38, 1-based): chr16:576,213, C>T. VCF-style: chr16-576213-C-T. GRCh37 (hg19) VCF-style: chr16-626213-C-T.
Other names: p.Arg301Cys; c.901C>T (NM_004204.4); c.901C>T, p.Arg301Cys (NM_148920.4); short protein forms R301C.
Identifiers: ClinVar variation 1492317 (VCV001492317.29), dbSNP rs754231407, ClinGen allele CA7780019.